The following is an entry in ClinVar:

NM_000057.4(BLM):c.1505G>A (p.Ser502Asn)

Gene: BLM (BLM RecQ like helicase; plus strand). Cytogenetic location: 15q26.1.
Variant type: single nucleotide variant.
Coding change: c.1505G>A on transcript NM_000057.4 (MANE Select); coding-DNA position 1505, G replaced by A.
Protein change: p.Ser502Asn; replaces serine 502 with asparagine.
Molecular consequence: missense variant.
Genome position (GRCh38, 1-based): chr15:90,760,878, G>A. VCF-style: chr15-90760878-G-A. GRCh37 (hg19) VCF-style: chr15-91304108-G-A.
Other names: c.1505G>A, p.Ser502Asn (NM_001287246.2, NM_001287247.2); c.380G>A, p.Ser127Asn (NM_001287248.2); short protein forms S127N, S502N.
Identifiers: ClinVar variation 2059852 (VCV002059852.4), dbSNP rs908599703, ClinGen allele CA274738277.

ClinVar aggregate classification (germline): Uncertain significance (1 of 4 stars; one submission).

Conditions:
Bloom syndrome (BLM). Also called: Bloom-Torre-Machacek syndrome. Identifiers: Orphanet 125, MedGen C0005859, MONDO:0008876, OMIM 210900.

Submission:

Labcorp Genetics (formerly Invitae), Labcorp
Classification: Uncertain significance for Bloom syndrome. Last evaluated: 2022-09-05. Review status: criteria provided, single submitter. Criteria: Invitae Variant Classification Sherloc (09022015). Collection method: clinical testing. Allele origin: germline.
Comment: In summary, the available evidence is currently insufficient to determine the role of this variant in disease. Therefore, it has been classified as a Variant of Uncertain Significance. Algorithms developed to predict the effect of missense changes on protein structure and function output the following: SIFT: "Tolerated"; PolyPhen-2: "Benign"; Align-GVGD: "Class C0". The asparagine amino acid residue is found in multiple mammalian species, which suggests that this missense change does not adversely affect protein function. This variant has not been reported in the literature in individuals affected with BLM-related conditions. This variant is not present in population databases (gnomAD no frequency). This sequence change replaces serine, which is neutral and polar, with asparagine, which is neutral and polar, at codon 502 of the BLM protein (p.Ser502Asn).